The following is an entry in ClinVar:

ClinVar aggregate classification (germline): Uncertain significance. Review status: criteria provided, multiple submitters, no conflicts (2 of 4 stars). 4 submissions from 4 submitters: Uncertain significance (4). Last evaluated 2025-04-09.

Conditions:
Hereditary breast ovarian cancer syndrome. Also called: Hereditary breast and ovarian cancer syndrome; BRCA1- and BRCA2-Associated Hereditary Breast and Ovarian Cancer; Breast and ovarian cancer; Hereditary breast and/or ovarian cancer syndrome; Hereditary breast and ovarian cancer; Hereditary breast and ovarian cancer syndrome (HBOC). Identifiers: Orphanet 145, MedGen C0677776, MeSH D061325, MONDO:0003582. Disease mechanism: loss of function.
Hereditary cancer-predisposing syndrome. Also called: Neoplastic Syndromes, Hereditary; Tumor predisposition; Hereditary Cancer Syndrome; Hereditary neoplastic syndrome. Identifiers: Orphanet 140162, MedGen C0027672, MeSH D009386, MONDO:0015356.

Allele frequency attached by ClinVar (database versions not stated): gnomAD exomes below 0.00001; TOPMed below 0.00001; ExAC 0.00001; gnomAD 0.00001; ESP Exome Variant Server 0.00008.
gnomAD v4.1: 2 of 1,613,788 alleles (0.00012%); highest among the groups gnomAD compares: Non-Finnish European, 0.00017%; no homozygotes.

Submissions (4):

Ambry Genetics
Classification: Uncertain significance for Hereditary cancer-predisposing syndrome. Last evaluated: 2025-04-09. Review status: criteria provided, single submitter. Criteria: Ambry Variant Classification Scheme 2023. Collection method: clinical testing. Allele origin: germline.
Comment: The p.K3416T variant (also known as c.10247A>C), located in coding exon 26 of the BRCA2 gene, results from an A to C substitution at nucleotide position 10247. The lysine at codon 3416 is replaced by threonine, an amino acid with similar properties. This amino acid position is not well conserved in available vertebrate species. In addition, this alteration is predicted to be tolerated by in silico analysis. Since supporting evidence is limited at this time, the clinical significance of this alteration remains unclear.

Labcorp Genetics (formerly Invitae), Labcorp
Classification: Uncertain significance for Hereditary breast ovarian cancer syndrome. Last evaluated: 2024-12-30. Review status: criteria provided, single submitter. Criteria: Invitae Variant Classification Sherloc (09022015). Collection method: clinical testing. Allele origin: germline.
Comment: This sequence change replaces lysine, which is basic and polar, with threonine, which is neutral and polar, at codon 3416 of the BRCA2 protein (p.Lys3416Thr). This variant is present in population databases (rs369663895, gnomAD 0.0009%). This variant has not been reported in the literature in individuals affected with BRCA2-related conditions. ClinVar contains an entry for this variant (Variation ID: 233352). Invitae Evidence Modeling of protein sequence and biophysical properties (such as structural, functional, and spatial information, amino acid conservation, physicochemical variation, residue mobility, and thermodynamic stability) indicates that this missense variant is not expected to disrupt BRCA2 protein function with a negative predictive value of 95%. In summary, the available evidence is currently insufficient to determine the role of this variant in disease. Therefore, it has been classified as a Variant of Uncertain Significance.

Quest Diagnostics Nichols Institute San Juan Capistrano
Classification: Uncertain significance. Last evaluated: 2023-12-27. Review status: criteria provided, single submitter. Criteria: Quest Diagnostics criteria. Collection method: clinical testing. Allele origin: unknown.
Comment: The BRCA2 c.10247A>C (p.Lys3416Thr) variant has not been reported in individuals with BRCA2-related conditions in the published literature. The frequency of this variant in the general population, 0.000004 (1/250344 chromosomes (Genome Aggregation Database)), is uninformative in the assessment of its pathogenicity. Analysis of this variant using bioinformatics tools for the prediction of the effect of amino acid changes on protein structure and function yielded predictions that this variant is benign. Based on the available information, we are unable to determine the clinical significance of this variant.

Color Diagnostics, LLC DBA Color Health
Classification: Uncertain significance for Hereditary cancer-predisposing syndrome. Last evaluated: 2019-09-12. Review status: criteria provided, single submitter. Criteria: ACMG Guidelines, 2015. Collection method: clinical testing. Allele origin: germline.
Comment: This missense variant replaces lysine with threonine at codon 3416 of the BRCA2 protein. Computational prediction tool suggests that this variant may not impact protein structure and function (internally defined REVEL score threshold ≤0.5, PMID: 27666373). Splice site prediction tools suggest that this variant may not impact RNA splicing. To our knowledge, functional studies have not been performed for this variant. This variant has not been reported in individuals affected with hereditary cancer in the literature. This variant has been identified in 1/250344 chromosomes in the general population by the Genome Aggregation Database (gnomAD). The available evidence is insufficient to determine the role of this variant in disease conclusively. Therefore, this variant is classified as a Variant of Uncertain Significance.

NM_000059.4(BRCA2):c.10247A>C (p.Lys3416Thr)

Gene: BRCA2 (BRCA2 DNA repair associated; plus strand). Cytogenetic location: 13q13.1.
Variant type: single nucleotide variant.
Coding change: c.10247A>C on transcript NM_000059.4 (MANE Select); coding-DNA position 10247, A replaced by C.
Protein change: p.Lys3416Thr; replaces lysine 3416 with threonine.
Molecular consequence: missense variant.
Genome position (GRCh38, 1-based): chr13:32,398,760, A>C. VCF-style: chr13-32398760-A-C. GRCh37 (hg19) VCF-style: chr13-32972897-A-C.
Other names: short protein forms K3416T.
Identifiers: ClinVar variation 233352 (VCV000233352.18), dbSNP rs369663895, ClinGen allele CA6941483.
Genomic context (GRCh38, chr13:32,398,760, plus strand): 5'-GTTCCCAGGCCAGTACGGAAGAATGTGAGAAAAATAAGCAGGACACAATTACAACTAAAA[A>C]ATATATCTAAGCATTTGCAAAGGCGACAATAAATTATTGACGCTTAACCTTTCCAGTTTA-3'
Protein context (NP_000050.3, residues 3406-3418): KNKQDTITTK[Lys3416Thr]YI